The following is an entry in ClinVar:

NM_031475.3(ESPN):c.2161G>A (p.Val721Ile)

Gene: ESPN (espin; plus strand). Cytogenetic location: 1p36.31.
Variant type: single nucleotide variant.
Coding change: c.2161G>A on transcript NM_031475.3 (MANE Select); coding-DNA position 2161, G replaced by A.
Protein change: p.Val721Ile; replaces valine 721 with isoleucine.
Molecular consequence: missense variant.
Genome position (GRCh38, 1-based): chr1:6,451,932, G>A. VCF-style: chr1-6451932-G-A. GRCh37 (hg19) VCF-style: chr1-6511992-G-A.
Other names: c.2071G>A, p.Val691Ile (NM_001367473.1); c.2098G>A, p.Val700Ile (NM_001367474.1); short protein forms V700I, V721I, V691I.
Identifiers: ClinVar variation 1474609 (VCV001474609.6), dbSNP rs753791831, ClinGen allele CA560405.

ClinVar aggregate classification (germline): Uncertain significance (1 of 4 stars; one submission).

Allele frequency attached by ClinVar (database versions not stated): ExAC 0.00001; gnomAD exomes 0.00001 and 0.00002.

Submission:

Labcorp Genetics (formerly Invitae), Labcorp
Classification: Uncertain significance. Last evaluated: 2021-11-08. Review status: criteria provided, single submitter. Criteria: Invitae Variant Classification Sherloc (09022015). Collection method: clinical testing. Allele origin: germline.
Comment: Algorithms developed to predict the effect of missense changes on protein structure and function (SIFT, PolyPhen-2, Align-GVGD) all suggest that this variant is likely to be tolerated. In summary, the available evidence is currently insufficient to determine the role of this variant in disease. Therefore, it has been classified as a Variant of Uncertain Significance. This variant has not been reported in the literature in individuals affected with ESPN-related conditions. This sequence change replaces valine, which is neutral and non-polar, with isoleucine, which is neutral and non-polar, at codon 721 of the ESPN protein (p.Val721Ile). This variant is present in population databases (rs753791831, gnomAD 0.01%).